The following is an entry in ClinVar:

NM_001161352.2(KCNMA1):c.498G>A (p.Ala166=)

Gene: KCNMA1 (potassium calcium-activated channel subfamily M alpha 1; minus strand). Cytogenetic location: 10q22.3.
Variant type: single nucleotide variant.
Coding change: c.498G>A on transcript NM_001161352.2 (MANE Select); coding-DNA position 498, G replaced by A.
Protein change: p.Ala166=; no amino-acid change (alanine 166 retained).
Molecular consequence: synonymous variant. On other transcripts: intron variant (1).
Genome position (GRCh38, 1-based): chr10:77,403,904, C>T on the plus strand (G>A on the coding strand, the complement: KCNMA1 is on the minus strand). VCF-style: chr10-77403904-C-T. GRCh37 (hg19) VCF-style: chr10-79163662-C-T.
Other names: c.498G>A, p.Ala166= (NM_001014797.3, NM_001161353.2, NM_001271519.2 and 7 more transcripts); c.379-152648G>A (NM_001271518.2).
Identifiers: ClinVar variation 532952 (VCV000532952.48), dbSNP rs201765039, ClinGen allele CA5568687.
Genomic context (GRCh38, chr10:77,403,904, plus strand): 5'-AAGTGGGTGGAGACTCACCAGGACTCTGCCAGTCAGTGTCTGGGCGGATATCATCACCCC[C>T]GCCCAGTCCTTCACGGAGGTCATCCAGCCGACCTCGGCGGCCACTGCCTCCTCTTTTTCA-3'
Protein context (NP_001154824.1, residues 156-176): VGWMTSVKDW[Ala166=]GVMISAQTLT

ClinVar aggregate classification (germline): Likely benign. Review status: criteria provided, multiple submitters, no conflicts (2 of 4 stars). 2 submissions from 2 submitters: Likely benign (2). Last evaluated 2025-05-19.

Conditions:
Generalized epilepsy-paroxysmal dyskinesia syndrome (PNKD3). Also called: Generalized epilepsy and paroxysmal dyskinesia; Paroxysmal nonkinesigenic dyskinesia, 3, with or without generalized epilepsy. Identifiers: Orphanet 79137, MedGen C5574945, MONDO:0012276, OMIM 609446.

Allele frequency attached by ClinVar (database versions not stated): gnomAD exomes 0.00002 and 0.00009; gnomAD 0.00004 and 0.00005; TOPMed 0.00004; ExAC 0.00005; ESP Exome Variant Server 0.00008.
gnomAD v4.1: 128 of 1,614,032 alleles (0.0079%); highest among the groups gnomAD compares: Non-Finnish European, 0.01%; no homozygotes.

Submissions (2):

Labcorp Genetics (formerly Invitae), Labcorp
Classification: Likely benign for Generalized epilepsy-paroxysmal dyskinesia syndrome. Last evaluated: 2025-05-19. Review status: criteria provided, single submitter. Criteria: Invitae Variant Classification Sherloc (09022015). Collection method: clinical testing. Allele origin: germline.

CeGaT Center for Human Genetics Tuebingen
Classification: Likely benign. Last evaluated: 2024-12-01. Review status: criteria provided, single submitter. Criteria: CeGaT Center For Human Genetics Tuebingen Variant Classification Criteria Version 2. Collection method: clinical testing. Allele origin: germline. Affected: yes. Observed: 3 variant alleles.
Comment: KCNMA1: BP4, BP7